The following is an entry in ClinVar:

ClinVar aggregate classification (germline): Likely benign (0 of 4 stars; one submission).

Conditions:
PLXNA4-related disorder. Also called: PLXNA4-related condition.

Allele frequency attached by ClinVar (database versions not stated): gnomAD 0.00001; ExAC 0.00002; gnomAD exomes 0.00002; TOPMed 0.00002.
gnomAD v4.1: 28 of 1,603,524 alleles (0.0017%); highest among the groups gnomAD compares: Non-Finnish European, 0.0023%; no homozygotes.

Submission:

PreventionGenetics, part of Exact Sciences
Classification: Likely benign for PLXNA4-related condition. Last evaluated: 2023-12-21. Review status: no assertion criteria provided. Collection method: clinical testing. Allele origin: germline.
Comment: This variant is classified as likely benign based on ACMG/AMP sequence variant interpretation guidelines (Richards et al. 2015 PMID: 25741868, with internal and published modifications).

NM_020911.2(PLXNA4):c.2163G>A (p.Thr721=)

Gene: PLXNA4 (plexin A4; minus strand). Cytogenetic location: 7q32.3.
Variant type: single nucleotide variant.
Coding change: c.2163G>A on transcript NM_020911.2 (MANE Select); coding-DNA position 2163, G replaced by A.
Protein change: p.Thr721=; no amino-acid change (threonine 721 retained).
Molecular consequence: synonymous variant.
Genome position (GRCh38, 1-based): chr7:132,211,078, C>T on the plus strand (G>A on the coding strand, the complement: PLXNA4 is on the minus strand). VCF-style: chr7-132211078-C-T. GRCh37 (hg19) VCF-style: chr7-131895837-C-T.
Other names: c.2163G>A, p.Thr721= (NM_001393897.1).
Identifiers: ClinVar variation 3028999 (VCV003028999.2), dbSNP rs769212160, ClinGen allele CA4489878.